The following is an entry in ClinVar:

ClinVar aggregate classification (germline): Uncertain significance (1 of 4 stars; one submission).

Conditions:
Inborn genetic diseases. Identifiers: MedGen C0950123, MeSH D030342.

gnomAD v4.1: 1 of 1,544,014 alleles (0.000065%); highest among the groups gnomAD compares: Non-Finnish European, 0.000087%; no homozygotes.

Submission:

Ambry Genetics
Classification: Uncertain significance for Inborn genetic diseases. Last evaluated: 2024-08-21. Review status: criteria provided, single submitter. Criteria: Ambry Variant Classification Scheme 2023. Collection method: clinical testing. Allele origin: germline.
Comment: The p.D312E variant (also known as c.936C>A), located in coding exon 10 of the ERCC2 gene, results from a C to A substitution at nucleotide position 936. The aspartic acid at codon 312 is replaced by glutamic acid, an amino acid with highly similar properties. This amino acid position is conserved. In addition, the in silico prediction for this alteration is inconclusive. Based on the available evidence, the clinical significance of this variant remains unclear.

NM_000400.4(ERCC2):c.936C>A (p.Asp312Glu)

Gene: ERCC2 (ERCC excision repair 2, TFIIH core complex helicase subunit; minus strand). Cytogenetic location: 19q13.32.
Variant type: single nucleotide variant.
Coding change: c.936C>A on transcript NM_000400.4 (MANE Select); coding-DNA position 936, C replaced by A.
Protein change: p.Asp312Glu; replaces aspartic acid 312 with glutamic acid.
Molecular consequence: missense variant.
Genome position (GRCh38, 1-based): chr19:45,363,999, G>T on the plus strand (C>A on the coding strand, the complement: ERCC2 is on the minus strand). VCF-style: chr19-45363999-G-T. GRCh37 (hg19) VCF-style: chr19-45867257-G-T.
Other names: c.864C>A, p.Asp288Glu (NM_001130867.2); short protein forms D312E, D288E.
Identifiers: ClinVar variation 3509851 (VCV003509851.1).
Genomic context (GRCh38, chr19:45,363,999, plus strand): 5'-GGGGAGGCGGGAAAGGGACTGGGGGGCAGCGGGGGGTCGGGGCTCACCCTGCAGCACTTC[G>T]TCGGGCAGCACGGGGTTGGCCAGGTGGGCGTCCGTCTCCCGGGCGGCGCTGGCCTCCCGC-3'
Protein context (NP_000391.1, residues 302-322): DAHLANPVLP[Asp312Glu]EVLQEAVPGS